The following is an entry in ClinVar:

ClinVar aggregate classification (germline): Uncertain significance (1 of 4 stars; one submission).

Conditions:
CACNA1B-related disorder. Also called: CACNA1B-related condition.

Submission:

PreventionGenetics, part of Exact Sciences
Classification: Uncertain significance for CACNA1B-related condition. Last evaluated: 2025-11-20. Review status: criteria provided, single submitter. Criteria: ACMG Guidelines, 2015. Collection method: clinical testing. Allele origin: germline.
Comment: The CACNA1B c.452C>T variant is predicted to result in the amino acid substitution p.Ala151Val. To our knowledge, this variant has not been reported in the literature. This variant is reported in 0.0018% of alleles in individuals of European (Non-Finnish) descent in gnomAD. At this time, the clinical significance of this variant is uncertain due to the absence of conclusive functional and genetic evidence.

NM_000718.4(CACNA1B):c.452C>T (p.Ala151Val)

Genes: CACNA1B (calcium voltage-gated channel subunit alpha1 B; plus strand), CACNA1B-AS2 (CACNA1B antisense RNA 2; minus strand). Cytogenetic location: 9q34.3.
Variant type: single nucleotide variant.
Coding change: c.452C>T on transcript NM_000718.4 (MANE Select); coding-DNA position 452, C replaced by T.
Protein change: p.Ala151Val; replaces alanine 151 with valine.
Molecular consequence: missense variant.
Genome position (GRCh38, 1-based): chr9:137,882,805, C>T. VCF-style: chr9-137882805-C-T. GRCh37 (hg19) VCF-style: chr9-140777257-C-T.
Other names: c.452C>T, p.Ala151Val (NM_001243812.2); short protein forms A151V.
Identifiers: ClinVar variation 4984975 (VCV004984975.1).
Genomic context (GRCh38, chr9:137,882,805, plus strand): 5'-ACGACACGGAGCCCTATTTCATCGGGATCTTTTGCTTCGAGGCAGGGATCAAAATCATCG[C>T]TCTGGGCTTTGTCTTCCACAAGGGCTCTTACCTGCGGAACGGCTGGAACGTCATGGACTT-3'
Protein context (NP_000709.1, residues 141-161): FCFEAGIKII[Ala151Val]LGFVFHKGSY